The following is an entry in ClinVar:

NM_003640.5(ELP1):c.2969T>C (p.Ile990Thr)

Gene: ELP1 (elongator acetyltransferase complex subunit 1; minus strand). Cytogenetic location: 9q31.3.
Variant type: single nucleotide variant.
Coding change: c.2969T>C on transcript NM_003640.5 (MANE Select); coding-DNA position 2969, T replaced by C.
Protein change: p.Ile990Thr; replaces isoleucine 990 with threonine.
Molecular consequence: missense variant.
Genome position (GRCh38, 1-based): chr9:108,891,394, A>G on the plus strand (T>C on the coding strand, the complement: ELP1 is on the minus strand). VCF-style: chr9-108891394-A-G. GRCh37 (hg19) VCF-style: chr9-111653674-A-G.
Other names: c.2627T>C, p.Ile876Thr (NM_001318360.2); c.1922T>C, p.Ile641Thr (NM_001330749.2); short protein forms I990T, I641T, I876T.
Identifiers: ClinVar variation 2193213 (VCV002193213.1), dbSNP rs775251575, ClinGen allele CA5174470.
Genomic context (GRCh38, chr9:108,891,394, plus strand): 5'-GCAAACATGAGCCCCGCTGGCTCATACATGTGCTCCTGCATCAGGTGCTCCCCATAAGCA[A>G]TGCTGATATCCTGTGACAAGAGGAGATTTAGGACTGAGGAGGAAATATGACAATCATTTC-3'
Protein context (NP_003631.2, residues 980-1000): PSSQQYQDIS[Ile990Thr]AYGEHLMQEH

ClinVar aggregate classification (germline): Uncertain significance (1 of 4 stars; one submission).

Allele frequency attached by ClinVar (database versions not stated): gnomAD exomes 0.00001; TOPMed 0.00001; ExAC 0.00002; gnomAD 0.00002.
gnomAD v4.1: 21 of 1,613,452 alleles (0.0013%); highest among the groups gnomAD compares: South Asian, 0.016%; no homozygotes.

Submission:

Labcorp Genetics (formerly Invitae), Labcorp
Classification: Uncertain significance. Last evaluated: 2022-08-16. Review status: criteria provided, single submitter. Criteria: Invitae Variant Classification Sherloc (09022015). Collection method: clinical testing. Allele origin: germline.
Comment: This sequence change replaces isoleucine, which is neutral and non-polar, with threonine, which is neutral and polar, at codon 990 of the ELP1 protein (p.Ile990Thr). This variant is present in population databases (rs775251575, gnomAD 0.01%). This variant has not been reported in the literature in individuals affected with ELP1-related conditions. Algorithms developed to predict the effect of missense changes on protein structure and function (SIFT, PolyPhen-2, Align-GVGD) all suggest that this variant is likely to be tolerated. In summary, the available evidence is currently insufficient to determine the role of this variant in disease. Therefore, it has been classified as a Variant of Uncertain Significance.